The following is an entry in ClinVar:

ClinVar aggregate classification (germline): Uncertain significance. Review status: criteria provided, multiple submitters, no conflicts (2 of 4 stars). 4 submissions from 4 submitters: Uncertain significance (4). Last evaluated 2025-12-02.

Conditions:
Hereditary cancer-predisposing syndrome. Also called: Neoplastic Syndromes, Hereditary; Tumor predisposition; Hereditary Cancer Syndrome; Hereditary neoplastic syndrome. Identifiers: Orphanet 140162, MedGen C0027672, MeSH D009386, MONDO:0015356.
Colorectal cancer. Also called: Malignant Colorectal Neoplasm; Colorectal cancer, somatic. Identifiers: MedGen C0346629, MONDO:0005575, OMIM 114500.
Oligodontia-cancer predisposition syndrome. Also called: TOOTH AGENESIS-COLORECTAL CANCER SYNDROME. Identifiers: Orphanet 300576, MedGen C1837750, MONDO:0012075, OMIM 608615. Disease mechanism: loss of function.

Allele frequency attached by ClinVar (database versions not stated): TOPMed below 0.00001; gnomAD 0.00001; gnomAD exomes 0.00001; ExAC 0.00002.

Submissions (4):

Labcorp Genetics (formerly Invitae), Labcorp
Classification: Uncertain significance for Oligodontia-cancer predisposition syndrome. Last evaluated: 2025-12-02. Review status: criteria provided, single submitter. Criteria: Invitae Variant Classification Sherloc (09022015). Collection method: clinical testing. Allele origin: germline.
Comment: This sequence change replaces serine, which is neutral and polar, with cysteine, which is neutral and slightly polar, at codon 348 of the AXIN2 protein (p.Ser348Cys). This variant is present in population databases (rs779669781, gnomAD 0.004%). This variant has not been reported in the literature in individuals affected with AXIN2-related conditions. ClinVar contains an entry for this variant (Variation ID: 464513). Invitae Evidence Modeling of protein sequence and biophysical properties (such as structural, functional, and spatial information, amino acid conservation, physicochemical variation, residue mobility, and thermodynamic stability) indicates that this missense variant is expected to disrupt AXIN2 protein function with a positive predictive value of 80%. In summary, the available evidence is currently insufficient to determine the role of this variant in disease. Therefore, it has been classified as a Variant of Uncertain Significance.

Ambry Genetics
Classification: Uncertain significance for Hereditary cancer-predisposing syndrome. Last evaluated: 2024-11-15. Review status: criteria provided, single submitter. Criteria: Ambry Variant Classification Scheme 2023. Collection method: clinical testing. Allele origin: germline.
Comment: The p.S348C variant (also known as c.1043C>G), located in coding exon 3 of the AXIN2 gene, results from a C to G substitution at nucleotide position 1043. The serine at codon 348 is replaced by cysteine, an amino acid with dissimilar properties. This amino acid position is well conserved in available vertebrate species. In addition, the in silico prediction for this alteration is inconclusive. Since supporting evidence is limited at this time, the clinical significance of this alteration remains unclear.

Baylor Genetics
Classification: Uncertain significance for Colorectal cancer. Last evaluated: 2023-11-15. Review status: criteria provided, single submitter. Criteria: ACMG Guidelines, 2015. Collection method: clinical testing. Allele origin: unknown.

GeneDx
Classification: Uncertain significance. Last evaluated: 2023-09-19. Review status: criteria provided, single submitter. Criteria: GeneDx Variant Classification Process June 2021. Collection method: clinical testing. Allele origin: germline. Affected: yes.
Comment: Not observed at significant frequency in large population cohorts (gnomAD); In silico analysis supports that this missense variant does not alter protein structure/function; Has not been previously published as pathogenic or benign to our knowledge; This variant is associated with the following publications: (PMID: 15735151)

NM_004655.4(AXIN2):c.1043C>G (p.Ser348Cys)

Gene: AXIN2 (axin 2; minus strand). Cytogenetic location: 17q24.1.
Variant type: single nucleotide variant.
Coding change: c.1043C>G on transcript NM_004655.4 (MANE Select); coding-DNA position 1043, C replaced by G.
Protein change: p.Ser348Cys; replaces serine 348 with cysteine.
Molecular consequence: missense variant.
Genome position (GRCh38, 1-based): chr17:65,541,471, G>C on the plus strand (C>G on the coding strand, the complement: AXIN2 is on the minus strand). VCF-style: chr17-65541471-G-C. GRCh37 (hg19) VCF-style: chr17-63537589-G-C.
Other names: c.1043C>G, p.Ser348Cys (NM_001363813.1); c.1043C>G (LRG_296t1); short protein forms S348C.
Identifiers: ClinVar variation 464513 (VCV000464513.20), dbSNP rs779669781, ClinGen allele CA8718896.